The following is an entry in ClinVar:

ClinVar aggregate classification (germline): Uncertain significance (1 of 4 stars; one submission).

gnomAD v4.1: 82 of 1,599,204 alleles (0.0051%); highest among the groups gnomAD compares: South Asian, 0.041%; no homozygotes.

Submission:

Labcorp Genetics (formerly Invitae), Labcorp
Classification: Uncertain significance. Last evaluated: 2025-03-17. Review status: criteria provided, single submitter. Criteria: Invitae Variant Classification Sherloc (09022015). Collection method: clinical testing. Allele origin: germline.
Comment: This sequence change replaces glycine, which is neutral and non-polar, with serine, which is neutral and polar, at codon 794 of the RHBDF2 protein (p.Gly794Ser). This variant is present in population databases (rs747226196, gnomAD 0.04%), and has an allele count higher than expected for a pathogenic variant. This variant has not been reported in the literature in individuals affected with RHBDF2-related conditions. An algorithm developed to predict the effect of missense changes on protein structure and function (PolyPhen-2) suggests that this variant is likely to be disruptive. In summary, the available evidence is currently insufficient to determine the role of this variant in disease. Therefore, it has been classified as a Variant of Uncertain Significance.

NM_001005498.4(RHBDF2):c.2293G>A (p.Gly765Ser)

Gene: RHBDF2 (rhomboid 5 homolog 2; minus strand). Cytogenetic location: 17q25.1.
Variant type: single nucleotide variant.
Coding change: c.2293G>A on transcript NM_001005498.4 (MANE Select); coding-DNA position 2293, G replaced by A.
Protein change: p.Gly765Ser; replaces glycine 765 with serine.
Molecular consequence: missense variant. On other transcripts: non-coding transcript variant (3).
Genome position (GRCh38, 1-based): chr17:76,471,824, C>T on the plus strand (G>A on the coding strand, the complement: RHBDF2 is on the minus strand). VCF-style: chr17-76471824-C-T. GRCh37 (hg19) VCF-style: chr17-74467906-C-T.
Other names: c.2293G>A, p.Gly765Ser (NM_001376228.1, NM_001376229.1, NM_001376230.1); c.2380G>A, p.Gly794Ser (NM_024599.5); short protein forms G765S, G794S.
Identifiers: ClinVar variation 3665267 (VCV003665267.2).